The following is an entry in ClinVar:

ClinVar aggregate classification (germline): Uncertain significance (1 of 4 stars; one submission).

Submission:

GeneDx
Classification: Uncertain significance. Last evaluated: 2023-07-16. Review status: criteria provided, single submitter. Criteria: GeneDx Variant Classification Process June 2021. Collection method: clinical testing. Allele origin: germline. Affected: yes.
Comment: Not observed at significant frequency in large population cohorts (gnomAD); In silico analysis supports that this missense variant does not alter protein structure/function; Has not been previously published as pathogenic or benign to our knowledge

NM_194454.3(KRIT1):c.1993A>C (p.Lys665Gln)

Gene: KRIT1 (KRIT1 ankyrin repeat containing; minus strand). Cytogenetic location: 7q21.2.
Variant type: single nucleotide variant.
Coding change: c.1993A>C on transcript NM_194454.3 (MANE Select); coding-DNA position 1993, A replaced by C.
Protein change: p.Lys665Gln; replaces lysine 665 with glutamine.
Molecular consequence: missense variant.
Genome position (GRCh38, 1-based): chr7:92,213,227, T>G on the plus strand (A>C on the coding strand, the complement: KRIT1 is on the minus strand). VCF-style: chr7-92213227-T-G. GRCh37 (hg19) VCF-style: chr7-91842541-T-G.
Other names: c.1849A>C, p.Lys617Gln (NM_001013406.2, NM_001350669.1, NM_001350670.1); c.1279A>C, p.Lys427Gln (NM_001350671.1); c.1993A>C, p.Lys665Gln (NM_001350672.1, NM_001350673.1, NM_001350674.1 and 26 more transcripts); short protein forms K427Q, K617Q, K665Q.
Identifiers: ClinVar variation 3361063 (VCV003361063.1).